The following is an entry in ClinVar:

ClinVar aggregate classification (germline): Benign. Review status: criteria provided, multiple submitters, no conflicts (2 of 4 stars). 3 submissions from 3 submitters: Benign (3). Last evaluated 2021-07-01.

Conditions:
Smith-Lemli-Opitz syndrome (SLOS). Also called: RSH SYNDROME; RUTLEDGE LETHAL MULTIPLE CONGENITAL ANOMALY SYNDROME; 7-Dehydrocholesterol reductase deficiency; LETHAL ACRODYSGENITAL SYNDROME; POLYDACTYLY, SEX REVERSAL, RENAL HYPOPLASIA, AND UNILOBAR LUNG. Identifiers: Orphanet 818, MedGen C0175694, MONDO:0010035, OMIM 270400.

Allele frequency attached by ClinVar (database versions not stated): 1000 Genomes Project 0.34924; 1000 Genomes Project 30x 0.35103; TOPMed 0.52256.

Submissions (3):

Genome-Nilou Lab
Classification: Benign for Smith-Lemli-Opitz syndrome. Last evaluated: 2021-07-01. Review status: criteria provided, single submitter. Criteria: ACMG Guidelines, 2015. Collection method: clinical testing. Allele origin: germline. Affected: no.

GeneDx
Classification: Benign. Last evaluated: 2018-06-16. Review status: criteria provided, single submitter. Criteria: GeneDx Variant Classification (06012015). Collection method: clinical testing. Allele origin: germline. Affected: yes.
Comment: This variant is considered likely benign or benign based on one or more of the following criteria: it is a conservative change, it occurs at a poorly conserved position in the protein, it is predicted to be benign by multiple in silico algorithms, and/or has population frequency not consistent with disease.

Breakthrough Genomics
Classification: Benign. Review status: criteria provided, single submitter. Criteria: ACMG Guidelines, 2015. Collection method: not provided. Allele origin: germline. Inheritance: Autosomal recessive inheritance. Affected: yes.

NM_001360.3(DHCR7):c.321+219C>T

Gene: DHCR7 (7-dehydrocholesterol reductase; minus strand). Cytogenetic location: 11q13.4.
Variant type: single nucleotide variant.
Coding change: c.321+219C>T on transcript NM_001360.3 (MANE Select); 219 bases into the intron after coding-DNA position 321, C replaced by T.
Molecular consequence: intron variant.
Genome position (GRCh38, 1-based): chr11:71,443,774, G>A on the plus strand (C>T on the coding strand, the complement: DHCR7 is on the minus strand). VCF-style: chr11-71443774-G-A. GRCh37 (hg19) VCF-style: chr11-71154820-G-A.
Other names: c.321+219C>T (NM_001163817.2).
Identifiers: ClinVar variation 679281 (VCV000679281.5), dbSNP rs12422045, ClinGen allele CA13421474.